The following is an entry in ClinVar:

ClinVar aggregate classification (germline): Uncertain significance. Review status: criteria provided, multiple submitters, no conflicts (2 of 4 stars). 2 submissions from 2 submitters: Uncertain significance (2). Last evaluated 2022-05-27.

Conditions:
Brody myopathy. Also called: BRODY DISEASE. Identifiers: Orphanet 53347, MedGen C1832918, MONDO:0010977, OMIM 601003.

Allele frequency attached by ClinVar (database versions not stated): gnomAD exomes below 0.00001; TOPMed below 0.00001; gnomAD 0.00001.
gnomAD v4.1: 2 of 1,577,176 alleles (0.00013%); highest among the groups gnomAD compares: African/African-American, 0.0013%; no homozygotes.

Submissions (2):

GeneDx
Classification: Uncertain significance. Last evaluated: 2022-05-27. Review status: criteria provided, single submitter. Criteria: GeneDx Variant Classification Process June 2021. Collection method: clinical testing. Allele origin: germline. Affected: yes.
Comment: Not observed at significant frequency in large population cohorts (gnomAD); In silico analysis supports that this missense variant has a deleterious effect on protein structure/function; Has not been previously published as pathogenic or benign to our knowledge

Labcorp Genetics (formerly Invitae), Labcorp
Classification: Uncertain significance for Brody myopathy. Last evaluated: 2022-04-12. Review status: criteria provided, single submitter. Criteria: Invitae Variant Classification Sherloc (09022015). Collection method: clinical testing. Allele origin: germline.
Comment: This variant has not been reported in the literature in individuals affected with ATP2A1-related conditions. This variant is not present in population databases (gnomAD no frequency). This sequence change replaces valine, which is neutral and non-polar, with alanine, which is neutral and non-polar, at codon 597 of the ATP2A1 protein (p.Val597Ala). In summary, the available evidence is currently insufficient to determine the role of this variant in disease. Therefore, it has been classified as a Variant of Uncertain Significance. Algorithms developed to predict the effect of missense changes on protein structure and function are either unavailable or do not agree on the potential impact of this missense change (SIFT: "Deleterious"; PolyPhen-2: "Probably Damaging"; Align-GVGD: "Class C0").

NM_004320.6(ATP2A1):c.1790T>C (p.Val597Ala)

Gene: ATP2A1 (ATPase sarcoplasmic/endoplasmic reticulum Ca2+ transporting 1; plus strand). Cytogenetic location: 16p11.2.
Variant type: single nucleotide variant.
Coding change: c.1790T>C on transcript NM_004320.6 (MANE Select); coding-DNA position 1790, T replaced by C.
Protein change: p.Val597Ala; replaces valine 597 with alanine.
Molecular consequence: missense variant.
Genome position (GRCh38, 1-based): chr16:28,900,606, T>C. VCF-style: chr16-28900606-T-C. GRCh37 (hg19) VCF-style: chr16-28911927-T-C.
Other names: c.1790T>C, p.Val597Ala (NM_173201.5); c.1415T>C, p.Val472Ala (NM_001286075.2); short protein forms V472A, V597A.
Identifiers: ClinVar variation 1801118 (VCV001801118.6), dbSNP rs1964045124, ClinGen allele CA395410939.